The following is an entry in ClinVar:

NM_152269.5(MTRFR):c.136A>G (p.Lys46Glu)

Gene: MTRFR (mitochondrial translation release factor in rescue; plus strand). Cytogenetic location: 12q24.31.
Variant type: single nucleotide variant.
Coding change: c.136A>G on transcript NM_152269.5 (MANE Select); coding-DNA position 136, A replaced by G.
Protein change: p.Lys46Glu; replaces lysine 46 with glutamic acid.
Molecular consequence: missense variant.
Genome position (GRCh38, 1-based): chr12:123,253,810, A>G. VCF-style: chr12-123253810-A-G. GRCh37 (hg19) VCF-style: chr12-123738357-A-G.
Other names: c.136A>G, p.Lys46Glu (NM_001143905.2, NM_001194995.1); short protein forms K46E.
Identifiers: ClinVar variation 1681653 (VCV001681653.6), dbSNP rs2138792797, ClinGen allele CA387118573.

ClinVar aggregate classification (germline): Uncertain significance (1 of 4 stars; one submission).

Conditions:
Combined oxidative phosphorylation defect type 7. Identifiers: Orphanet 254930, MedGen C3150801, MONDO:0013306, OMIM 613559.
Spastic paraplegia. Identifiers: MedGen C0037772, HP:0001258.

Submission:

Labcorp Genetics (formerly Invitae), Labcorp
Classification: Uncertain significance for Combined oxidative phosphorylation defect type 7; Spastic paraplegia. Last evaluated: 2022-11-22. Review status: criteria provided, single submitter. Criteria: Invitae Variant Classification Sherloc (09022015). Collection method: clinical testing. Allele origin: germline.
Comment: In summary, the available evidence is currently insufficient to determine the role of this variant in disease. Therefore, it has been classified as a Variant of Uncertain Significance. Algorithms developed to predict the effect of missense changes on protein structure and function are either unavailable or do not agree on the potential impact of this missense change (SIFT: "Tolerated"; PolyPhen-2: "Possibly Damaging"; Align-GVGD: "Class C0"). ClinVar contains an entry for this variant (Variation ID: 1681653). This variant has not been reported in the literature in individuals affected with C12orf65-related conditions. This variant is not present in population databases (gnomAD no frequency). This sequence change replaces lysine, which is basic and polar, with glutamic acid, which is acidic and polar, at codon 46 of the C12orf65 protein (p.Lys46Glu).